The following is an entry in ClinVar:

ClinVar aggregate classification (germline): Uncertain significance. Review status: criteria provided, multiple submitters, no conflicts (2 of 4 stars). 4 submissions from 4 submitters: Uncertain significance (3). 1 of the submissions does not count toward it. Last evaluated 2026-03-16.

Conditions:
Ehlers-Danlos syndrome, dermatosparaxis type. Also called: Dermatosparaxis; Ehlers-Danlos syndrome, type VII, autosomal recessive; EDS VIIC. Identifiers: Orphanet 1901, MedGen C2700425, MONDO:0009161, OMIM 225410.

Allele frequency attached by ClinVar (database versions not stated): gnomAD exomes 0.00001; TOPMed 0.00001; gnomAD 0.00001.

Submissions (4):

Women's Health and Genetics/Laboratory Corporation of America, LabCorp
Classification: Uncertain significance. Last evaluated: 2026-03-16. Review status: criteria provided, single submitter. Criteria: LabCorp Variant Classification Summary - May 2015. Collection method: clinical testing. Allele origin: germline.
Comment: Variant summary: ADAMTS2 c.115C>T (p.Leu39Phe) results in a non-conservative amino acid change in the encoded protein sequence. Algorithms developed to predict the effect of missense changes on protein structure and function are either unavailable or do not agree on the potential impact of this missense change. The frequency data for this variant in gnomAD is considered unreliable, as metrics indicate poor data quality at this position. To our knowledge, no occurrence of c.115C>T in individuals affected with ADAMTS2-related conditions and no experimental evidence demonstrating its impact on protein function have been reported. ClinVar contains an entry for this variant (Variation ID: 423799). Based on the evidence outlined above, the variant was classified as uncertain significance.

Labcorp Genetics (formerly Invitae), Labcorp
Classification: Uncertain significance for Ehlers-Danlos syndrome, dermatosparaxis type. Last evaluated: 2021-08-30. Review status: criteria provided, single submitter. Criteria: Invitae Variant Classification Sherloc (09022015). Collection method: clinical testing. Allele origin: germline.
Comment: This sequence change replaces leucine with phenylalanine at codon 39 of the ADAMTS2 protein (p.Leu39Phe). The leucine residue is moderately conserved and there is a small physicochemical difference between leucine and phenylalanine. The frequency data for this variant in the population databases is considered unreliable, as metrics indicate insufficient coverage at this position in the ExAC database. This variant has not been reported in the literature in individuals affected with ADAMTS2-related conditions. ClinVar contains an entry for this variant (Variation ID: 423799). Algorithms developed to predict the effect of sequence changes on RNA splicing suggest that this variant may create or strengthen a splice site. In summary, the available evidence is currently insufficient to determine the role of this variant in disease. Therefore, it has been classified as a Variant of Uncertain Significance.

GeneDx
Classification: Uncertain significance. Last evaluated: 2019-10-30. Review status: criteria provided, single submitter. Criteria: GeneDx Variant Classification Process June 2021. Collection method: clinical testing. Allele origin: germline. Affected: yes.
Comment: Not observed in large population cohorts (Lek et al., 2016); In silico analysis, which includes protein predictors and evolutionary conservation, supports a deleterious effect; Has not been previously published as pathogenic or benign to our knowledge

Natera, Inc.
Classification: Uncertain significance for Ehlers-Danlos syndrome type VIIC. Last evaluated: 2020-12-03. Review status: no assertion criteria provided. Collection method: clinical testing. Allele origin: germline. Not counted in ClinVar's aggregate classification.

NM_014244.5(ADAMTS2):c.115C>T (p.Leu39Phe)

Gene: ADAMTS2 (ADAM metallopeptidase with thrombospondin type 1 motif 2; minus strand). Cytogenetic location: 5q35.3.
Variant type: single nucleotide variant.
Coding change: c.115C>T on transcript NM_014244.5 (MANE Select); coding-DNA position 115, C replaced by T.
Protein change: p.Leu39Phe; replaces leucine 39 with phenylalanine.
Molecular consequence: missense variant.
Genome position (GRCh38, 1-based): chr5:179,345,214, G>A on the plus strand (C>T on the coding strand, the complement: ADAMTS2 is on the minus strand). VCF-style: chr5-179345214-G-A. GRCh37 (hg19) VCF-style: chr5-178772215-G-A.
Other names: c.115C>T, p.Leu39Phe (NM_021599.4); short protein forms L39F.
Identifiers: ClinVar variation 423799 (VCV000423799.13), dbSNP rs1064796637, ClinGen allele CA16618190.